The following is an entry in ClinVar:

NM_001286577.2(C2CD3):c.817A>G (p.Lys273Glu)

Genes: C2CD3 (C2 domain containing 3 centriole elongation regulator; minus strand), LOC121392929 (Sharpr-MPRA regulatory region 9619; plus strand). Cytogenetic location: 11q13.4.
Variant type: single nucleotide variant.
Coding change: c.817A>G on transcript NM_001286577.2 (MANE Select); coding-DNA position 817, A replaced by G.
Protein change: p.Lys273Glu; replaces lysine 273 with glutamic acid.
Molecular consequence: missense variant.
Genome position (GRCh38, 1-based): chr11:74,138,858, T>C on the plus strand (A>G on the coding strand, the complement: C2CD3 is on the minus strand). VCF-style: chr11-74138858-T-C. GRCh37 (hg19) VCF-style: chr11-73849903-T-C.
Other names: c.817A>G, p.Lys273Glu (NM_015531.6); c.817A>G (NM_015531.4); short protein forms K273E.
Identifiers: ClinVar variation 1430504 (VCV001430504.8), dbSNP rs746125204, ClinGen allele CA6183119.
Genomic context (GRCh38, chr11:74,138,858, plus strand): 5'-TTTGAGGCTGGAATTCAGAACTGTTCAGAAGGGACATCTGCTTCCGTGGAGCTCTGCCTT[T>C]CAGAGTTACAGACTCTAAACTCTGTCCTGAATTAAGACTGTGCTGTAGTCCAAAGGAAGA-3'
Protein context (NP_001273506.1, residues 263-283): SGQSLESVTL[Lys273Glu]GRAPRKQMSL

ClinVar aggregate classification (germline): Uncertain significance. Review status: criteria provided, multiple submitters, no conflicts (2 of 4 stars). 3 submissions from 3 submitters: Uncertain significance (3). Last evaluated 2025-03-27.

Conditions:
Inborn genetic diseases. Identifiers: MedGen C0950123, MeSH D030342.

Allele frequency attached by ClinVar (database versions not stated): TOPMed 0.00006; gnomAD 0.00009 and 0.00007; gnomAD exomes 0.00004; ExAC 0.00004.
gnomAD v4.1: 70 of 1,613,756 alleles (0.0043%); highest among the groups gnomAD compares: Middle Eastern, 0.033%; no homozygotes.

Submissions (3):

Ambry Genetics
Classification: Uncertain significance for Inborn genetic diseases. Last evaluated: 2025-03-27. Review status: criteria provided, single submitter. Criteria: Ambry Variant Classification Scheme 2023. Collection method: clinical testing. Allele origin: germline.

Labcorp Genetics (formerly Invitae), Labcorp
Classification: Uncertain significance. Last evaluated: 2023-08-04. Review status: criteria provided, single submitter. Criteria: Invitae Variant Classification Sherloc (09022015). Collection method: clinical testing. Allele origin: germline.
Comment: This sequence change replaces lysine, which is basic and polar, with glutamic acid, which is acidic and polar, at codon 273 of the C2CD3 protein (p.Lys273Glu). This variant is present in population databases (rs746125204, gnomAD 0.01%). This variant has not been reported in the literature in individuals affected with C2CD3-related conditions. ClinVar contains an entry for this variant (Variation ID: 1430504). Advanced modeling of protein sequence and biophysical properties (such as structural, functional, and spatial information, amino acid conservation, physicochemical variation, residue mobility, and thermodynamic stability) performed at Invitae indicates that this missense variant is not expected to disrupt C2CD3 protein function. In summary, the available evidence is currently insufficient to determine the role of this variant in disease. Therefore, it has been classified as a Variant of Uncertain Significance.

Breakthrough Genomics
Classification: Uncertain significance. Review status: criteria provided, single submitter. Criteria: ACMG Guidelines, 2015. Collection method: not provided. Allele origin: germline. Inheritance: Autosomal recessive inheritance. Affected: yes.